The following is an entry in ClinVar:

ClinVar aggregate classification (germline): Uncertain significance (1 of 4 stars; one submission).

Conditions:
Hypertrophic cardiomyopathy 25 (CMH25). Also called: CARDIOMYOPATHY, FAMILIAL HYPERTROPHIC, 25. Identifiers: MedGen C4225408, MONDO:0011843, OMIM 607487.
Primary familial hypertrophic cardiomyopathy (HCM). Identifiers: Orphanet 99739, MedGen C0949658, MeSH D024741, MONDO:0024573. Inheritance: Various modes of inheritance.

Submission:

Labcorp Genetics (formerly Invitae), Labcorp
Classification: Uncertain significance for Hypertrophic cardiomyopathy 25; Primary familial hypertrophic cardiomyopathy. Last evaluated: 2022-07-25. Review status: criteria provided, single submitter. Criteria: Invitae Variant Classification Sherloc (09022015). Collection method: clinical testing. Allele origin: germline.
Comment: In summary, the available evidence is currently insufficient to determine the role of this variant in disease. Therefore, it has been classified as a Variant of Uncertain Significance. Algorithms developed to predict the effect of missense changes on protein structure and function are either unavailable or do not agree on the potential impact of this missense change (SIFT: "Deleterious"; PolyPhen-2: "Probably Damaging"; Align-GVGD: "Class C15"). ClinVar contains an entry for this variant (Variation ID: 1406249). This variant has not been reported in the literature in individuals affected with TCAP-related conditions. This variant is not present in population databases (gnomAD no frequency). This sequence change replaces glutamic acid, which is acidic and polar, with glycine, which is neutral and non-polar, at codon 80 of the TCAP protein (p.Glu80Gly).

NM_003673.4(TCAP):c.239A>G (p.Glu80Gly)

Gene: TCAP (titin-cap; plus strand). Cytogenetic location: 17q12.
Variant type: single nucleotide variant.
Coding change: c.239A>G on transcript NM_003673.4 (MANE Select); coding-DNA position 239, A replaced by G.
Protein change: p.Glu80Gly; replaces glutamic acid 80 with glycine.
Molecular consequence: missense variant.
Genome position (GRCh38, 1-based): chr17:39,665,844, A>G. VCF-style: chr17-39665844-A-G. GRCh37 (hg19) VCF-style: chr17-37822097-A-G.
Other names: short protein forms E80G.
Identifiers: ClinVar variation 1406249 (VCV001406249.6), dbSNP rs2145073624, ClinGen allele CA399304433.